The following is an entry in ClinVar:

ClinVar aggregate classification (germline): Pathogenic; other. Review status: criteria provided, multiple submitters, no conflicts (2 of 4 stars). 3 submissions from 3 submitters: Pathogenic (2). Last evaluated 2024-10-16.

Conditions:
Frontotemporal dementia and/or amyotrophic lateral sclerosis 4. Also called: FTDALS4. Identifiers: Orphanet 275872, MedGen C4225325, MONDO:0014641, OMIM 616439.
Motor neuron disease. Also called: Degenerative motor system disease; Motor neuron disorder. Identifiers: Orphanet 98503, MedGen C0085084, MONDO:0020128.

Allele frequency attached by ClinVar (database versions not stated): gnomAD exomes below 0.00001 and 0.00001; TOPMed below 0.00001; ExAC 0.00001; gnomAD 0.00001; ESP Exome Variant Server 0.00008.
gnomAD v4.1: 6 of 1,583,282 alleles (0.00038%); highest among the groups gnomAD compares: Non-Finnish European, 0.00043%; no homozygotes.

Submissions (3):

Labcorp Genetics (formerly Invitae), Labcorp
Classification: Pathogenic for Frontotemporal dementia and/or amyotrophic lateral sclerosis 4. Last evaluated: 2024-10-16. Review status: criteria provided, single submitter. Criteria: Invitae Variant Classification Sherloc (09022015). Collection method: clinical testing. Allele origin: germline.
Comment: This sequence change creates a premature translational stop signal (p.Arg444*) in the TBK1 gene. It is expected to result in an absent or disrupted protein product. Loss-of-function variants in TBK1 are known to be pathogenic (PMID: 25803835, 26476236, 26581300). The frequency data for this variant in the population databases is considered unreliable, as metrics indicate poor data quality at this position in the gnomAD database. This premature translational stop signal has been observed in individual(s) with amyotrophic lateral sclerosis (PMID: 26804609, 28089114). ClinVar contains an entry for this variant (Variation ID: 266072). Algorithms developed to predict the effect of variants on gene product structure and function are not available or were not evaluated for this variant. Experimental studies have shown that this premature translational stop signal affects TBK1 function (PMID: 26804609). For these reasons, this variant has been classified as Pathogenic.

GeneDx
Classification: Pathogenic. Last evaluated: 2019-01-11. Review status: criteria provided, single submitter. Criteria: GeneDx Variant Classification (06012015). Collection method: clinical testing. Allele origin: germline. Affected: yes.
Comment: The R444X nonsense variant in the TBK1 gene has been reported previously in association with ALS with and without FTLD (Black et al., 2017; Tsai et al., 2016). In vitro functional studies shower lower protein expression and loss of kinase activity (Tsai et al., 2016). The R444X variant is predicted to result in nonsense-mediated mRNA decay or protein truncation. In vitro functional studies indicate that the truncated protein lacked kinase activity (Tsai et al., 2016). This variant is not observed in large population cohorts (Lek et al., 2016). Based on the currently available clinical and molecular information, we interpret R444X as a pathogenic variant.

Centre for Genomic and Experimental Medicine, University of Edinburgh
Classification: other for Motor neuron disease. Last evaluated: 2016-08-31. Review status: criteria provided, single submitter. Criteria: Submitter's publication. Collection method: case-control. Allele origin: unknown. Affected: yes. Observed: 1 heterozygote.
Comment: Loss-of-function but lacking segregation data

Literature cited by the submitters: PubMed 25803835 (cited by Labcorp Genetics (formerly Invitae), Labcorp); PubMed 26476236 (cited by Labcorp Genetics (formerly Invitae), Labcorp); PubMed 26581300 (cited by Labcorp Genetics (formerly Invitae), Labcorp); PubMed 26804609 (cited by Labcorp Genetics (formerly Invitae), Labcorp); PubMed 28089114 (cited by Labcorp Genetics (formerly Invitae), Labcorp and Centre for Genomic and Experimental Medicine, University of Edinburgh).

NM_013254.4(TBK1):c.1330C>T (p.Arg444Ter)

Gene: TBK1 (TANK binding kinase 1; plus strand). Cytogenetic location: 12q14.2.
Variant type: single nucleotide variant.
Coding change: c.1330C>T on transcript NM_013254.4 (MANE Select); coding-DNA position 1330, C replaced by T.
Protein change: p.Arg444Ter; replaces arginine 444 with a stop codon.
Molecular consequence: nonsense.
Genome position (GRCh38, 1-based): chr12:64,486,007, C>T. VCF-style: chr12-64486007-C-T. GRCh37 (hg19) VCF-style: chr12-64879787-C-T.
Other names: c.1330C>T, p.Arg444Ter (LRG_1306t1); short protein forms R444*.
Identifiers: ClinVar variation 266072 (VCV000266072.6), dbSNP rs142030898, ClinGen allele CA6669034.